The following is an entry in ClinVar:

ClinVar aggregate classification (germline): Uncertain significance (1 of 4 stars; one submission).

Conditions:
Bardet-Biedl syndrome (BBS). Identifiers: Orphanet 110, MedGen C0752166, MONDO:0015229.

Allele frequency attached by ClinVar (database versions not stated): gnomAD exomes below 0.00001; ExAC 0.00001.

Submission:

Labcorp Genetics (formerly Invitae), Labcorp
Classification: Uncertain significance for Bardet-Biedl syndrome. Last evaluated: 2022-10-13. Review status: criteria provided, single submitter. Criteria: Invitae Variant Classification Sherloc (09022015). Collection method: clinical testing. Allele origin: germline.
Comment: In summary, the available evidence is currently insufficient to determine the role of this variant in disease. Therefore, it has been classified as a Variant of Uncertain Significance. Advanced modeling of protein sequence and biophysical properties (such as structural, functional, and spatial information, amino acid conservation, physicochemical variation, residue mobility, and thermodynamic stability) performed at Invitae indicates that this missense variant is not expected to disrupt BBS1 protein function. This variant has not been reported in the literature in individuals affected with BBS1-related conditions. The frequency data for this variant in the population databases is considered unreliable, as metrics indicate poor data quality at this position in the gnomAD database. This sequence change replaces alanine, which is neutral and non-polar, with serine, which is neutral and polar, at codon 240 of the BBS1 protein (p.Ala240Ser).

NM_024649.5(BBS1):c.718G>T (p.Ala240Ser)

Gene: BBS1 (Bardet-Biedl syndrome 1; plus strand). Cytogenetic location: 11q13.2.
Variant type: single nucleotide variant.
Coding change: c.718G>T on transcript NM_024649.5 (MANE Select); coding-DNA position 718, G replaced by T.
Protein change: p.Ala240Ser; replaces alanine 240 with serine.
Molecular consequence: missense variant.
Genome position (GRCh38, 1-based): chr11:66,519,743, G>T. VCF-style: chr11-66519743-G-T. GRCh37 (hg19) VCF-style: chr11-66287214-G-T.
Other names: short protein forms A240S.
Identifiers: ClinVar variation 2130142 (VCV002130142.4), dbSNP rs780738304, ClinGen allele CA6123447.